The following is an entry in ClinVar:

ClinVar aggregate classification (germline): Uncertain significance (1 of 4 stars; one submission).

Conditions:
Progressive myoclonic epilepsy. Also called: Myoclonic Epilepsies, Progressive; Myoclonus epilepsy; Familial progressive myoclonic epilepsy; Progressive myoclonus epilepsy. Identifiers: Orphanet 308, Orphanet 98261, MedGen C0751778, MONDO:0020074.

Allele frequency attached by ClinVar (database versions not stated): TOPMed below 0.00001.

Submission:

Labcorp Genetics (formerly Invitae), Labcorp
Classification: Uncertain significance for Progressive myoclonic epilepsy. Last evaluated: 2017-11-15. Review status: criteria provided, single submitter. Criteria: Invitae Variant Classification Sherloc (09022015). Collection method: clinical testing. Allele origin: germline.
Comment: In summary, the available evidence is currently insufficient to determine the role of this variant in disease. Therefore, it has been classified as a Variant of Uncertain Significance. Algorithms developed to predict the effect of missense changes on protein structure and function do not agree on the potential impact of this missense change (SIFT: "Deleterious"; PolyPhen-2: "Possibly Damaging"; Align-GVGD: "Class C0"). This variant has not been reported in the literature in individuals with SCARB2-related disease. This variant is not present in population databases (ExAC no frequency). This sequence change replaces serine with leucine at codon 321 of the SCARB2 protein (p.Ser321Leu). The serine residue is moderately conserved and there is a large physicochemical difference between serine and leucine.

NM_005506.4(SCARB2):c.962C>T (p.Ser321Leu)

Gene: SCARB2 (scavenger receptor class B member 2; minus strand). Cytogenetic location: 4q21.1.
Variant type: single nucleotide variant.
Coding change: c.962C>T on transcript NM_005506.4 (MANE Select); coding-DNA position 962, C replaced by T.
Protein change: p.Ser321Leu; replaces serine 321 with leucine.
Molecular consequence: missense variant.
Genome position (GRCh38, 1-based): chr4:76,174,176, G>A on the plus strand (C>T on the coding strand, the complement: SCARB2 is on the minus strand). VCF-style: chr4-76174176-G-A. GRCh37 (hg19) VCF-style: chr4-77095329-G-A.
Other names: c.533C>T, p.Ser178Leu (NM_001204255.2); short protein forms S321L, S178L.
Identifiers: ClinVar variation 531797 (VCV000531797.6), dbSNP rs1553947990, ClinGen allele CA357315560.